The following is an entry in ClinVar:

ClinVar aggregate classification (germline): Uncertain significance. Review status: criteria provided, multiple submitters, no conflicts (2 of 4 stars). 3 submissions from 3 submitters: Uncertain significance (3). Last evaluated 2024-07-17.

Conditions:
Cardiovascular phenotype. Identifiers: MedGen CN230736.
Arrhythmogenic cardiomyopathy with wooly hair and keratoderma. Also called: Arrhythmogenic cardiomyopathy with woolly hair and keratoderma; Dilated cardiomyopathy with woolly hair and keratoderma; PALMOPLANTAR KERATODERMA WITH LEFT VENTRICULAR CARDIOMYOPATHY AND WOOLLY HAIR; Carvajal syndrome. Identifiers: Orphanet 65282, MedGen C1854063, MONDO:0011581, OMIM 605676.
Arrhythmogenic right ventricular dysplasia 8 (ARVD8). Also called: ARRHYTHMOGENIC RIGHT VENTRICULAR DYSPLASIA, FAMILIAL, 8; ARRHYTHMOGENIC RIGHT VENTRICULAR CARDIOMYOPATHY 8; Arrhythmogenic Right Ventricular Dysplasia/Cardiomyopathy 8. Identifiers: MedGen C1843896, MONDO:0011831, OMIM 607450.

Allele frequency attached by ClinVar (database versions not stated): gnomAD exomes below 0.00001; TOPMed below 0.00001.
gnomAD v4.1: 2 of 1,614,166 alleles (0.00012%); highest among the groups gnomAD compares: Non-Finnish European, 0.00017%; no homozygotes.

Submissions (3):

Ambry Genetics
Classification: Uncertain significance for Cardiovascular phenotype. Last evaluated: 2024-07-17. Review status: criteria provided, single submitter. Criteria: Ambry Variant Classification Scheme 2023. Collection method: clinical testing. Allele origin: germline.
Comment: The p.D2341N variant (also known as c.7021G>A), located in coding exon 24 of the DSP gene, results from a G to A substitution at nucleotide position 7021. The aspartic acid at codon 2341 is replaced by asparagine, an amino acid with highly similar properties. This amino acid position is highly conserved in available vertebrate species. In addition, the in silico prediction for this alteration is inconclusive. Since supporting evidence is limited at this time, the clinical significance of this alteration remains unclear.

Labcorp Genetics (formerly Invitae), Labcorp
Classification: Uncertain significance for Arrhythmogenic cardiomyopathy with wooly hair and keratoderma; Arrhythmogenic right ventricular dysplasia 8. Last evaluated: 2024-02-16. Review status: criteria provided, single submitter. Criteria: Invitae Variant Classification Sherloc (09022015). Collection method: clinical testing. Allele origin: germline.
Comment: This sequence change replaces aspartic acid, which is acidic and polar, with asparagine, which is neutral and polar, at codon 2341 of the DSP protein (p.Asp2341Asn). This variant is not present in population databases (gnomAD no frequency). This variant has not been reported in the literature in individuals affected with DSP-related conditions. ClinVar contains an entry for this variant (Variation ID: 191642). An algorithm developed to predict the effect of missense changes on protein structure and function (PolyPhen-2) suggests that this variant is likely to be disruptive. In summary, the available evidence is currently insufficient to determine the role of this variant in disease. Therefore, it has been classified as a Variant of Uncertain Significance.

Biesecker Lab/Clinical Genomics Section, National Institutes of Health
Classification: Uncertain significance. Last evaluated: 2013-06-24. Review status: criteria provided, single submitter. Criteria: Ng et al. (Circ Cardiovasc Genet. 2013). Collection method: research. Allele origin: unknown. Observed: 1 variant allele. Study: ClinSeq.
Comment: The study set was not selected for affection status in relation to any cancer. Pathogenicity categories were based on literature curation. See Pubmed ID:23861362 for details.

Medical sequencing

Literature cited by the submitters: PubMed 23861362 (cited by Ambry Genetics).

NM_004415.4(DSP):c.7021G>A (p.Asp2341Asn)

Gene: DSP (desmoplakin; plus strand). Cytogenetic location: 6p24.3.
Variant type: single nucleotide variant.
Coding change: c.7021G>A on transcript NM_004415.4 (MANE Select); coding-DNA position 7021, G replaced by A.
Protein change: p.Asp2341Asn; replaces aspartic acid 2341 with asparagine.
Molecular consequence: missense variant.
Genome position (GRCh38, 1-based): chr6:7,584,283, G>A. VCF-style: chr6-7584283-G-A. GRCh37 (hg19) VCF-style: chr6-7584516-G-A.
Other names: c.5224G>A, p.Asp1742Asn (NM_001008844.3); c.5692G>A, p.Asp1898Asn (NM_001319034.2); c.7021G>A (LRG_423t1); short protein forms D2341N, D1898N, D1742N.
Identifiers: ClinVar variation 191642 (VCV000191642.14), dbSNP rs200314271, ClinGen allele CA007104.